The following is an entry in ClinVar:

ClinVar aggregate classification (germline): Uncertain significance (1 of 4 stars; one submission).

Allele frequency attached by ClinVar (database versions not stated): gnomAD exomes below 0.00001; TOPMed 0.00001.
gnomAD v4.1: 1 of 1,558,130 alleles (0.000064%); highest among the groups gnomAD compares: Non-Finnish European, 0.000087%; no homozygotes.

Submission:

GeneDx
Classification: Uncertain significance. Last evaluated: 2020-07-17. Review status: criteria provided, single submitter. Criteria: GeneDx Variant Classification Process June 2021. Collection method: clinical testing. Allele origin: germline. Affected: yes.
Comment: Not observed in large population cohorts (Lek et al., 2016); In silico analysis supports that this missense variant does not alter protein structure/function; Has not been previously published as pathogenic or benign to our knowledge

NM_003560.4(PLA2G6):c.1462G>A (p.Val488Met)

Gene: PLA2G6 (phospholipase A2 group VI; minus strand). Cytogenetic location: 22q13.1.
Variant type: single nucleotide variant.
Coding change: c.1462G>A on transcript NM_003560.4 (MANE Select); coding-DNA position 1462, G replaced by A.
Protein change: p.Val488Met; replaces valine 488 with methionine.
Molecular consequence: missense variant.
Genome position (GRCh38, 1-based): chr22:38,123,224, C>T on the plus strand (G>A on the coding strand, the complement: PLA2G6 is on the minus strand). VCF-style: chr22-38123224-C-T. GRCh37 (hg19) VCF-style: chr22-38519231-C-T.
Other names: c.1300G>A, p.Val434Met (NM_001004426.3, NM_001199562.3, NM_001349865.2 and 1 more transcripts); c.1462G>A, p.Val488Met (NM_001349864.2); c.928G>A, p.Val310Met (NM_001349867.2); c.784G>A, p.Val262Met (NM_001349868.2); c.766G>A, p.Val256Met (NM_001349869.2); short protein forms V488M, V256M, V262M, V310M, V434M.
Identifiers: ClinVar variation 1305925 (VCV001305925.2), dbSNP rs2087627297, ClinGen allele CA411528082.